The following is an entry in ClinVar:

NM_001291303.3(FAT4):c.11517C>G (p.Ile3839Met)

Gene: FAT4 (FAT atypical cadherin 4; plus strand). Cytogenetic location: 4q28.1.
Variant type: single nucleotide variant.
Coding change: c.11517C>G on transcript NM_001291303.3 (MANE Select); coding-DNA position 11517, C replaced by G.
Protein change: p.Ile3839Met; replaces isoleucine 3839 with methionine.
Molecular consequence: missense variant.
Genome position (GRCh38, 1-based): chr4:125,452,527, C>G. VCF-style: chr4-125452527-C-G. GRCh37 (hg19) VCF-style: chr4-126373682-C-G.
Other names: c.11517C>G, p.Ile3839Met (NM_001291285.3); c.11511C>G, p.Ile3837Met (NM_024582.6); short protein forms I3837M, I3839M.
Identifiers: ClinVar variation 1984792 (VCV001984792.4), dbSNP rs758152796, ClinGen allele CA358162968.

ClinVar aggregate classification (germline): Uncertain significance (1 of 4 stars; one submission).

gnomAD v4.1: 6 of 1,614,036 alleles (0.00037%); highest among the groups gnomAD compares: Non-Finnish European, 0.00051%; no homozygotes.

Submission:

Labcorp Genetics (formerly Invitae), Labcorp
Classification: Uncertain significance. Last evaluated: 2024-10-16. Review status: criteria provided, single submitter. Criteria: Invitae Variant Classification Sherloc (09022015). Collection method: clinical testing. Allele origin: germline.
Comment: This sequence change replaces isoleucine, which is neutral and non-polar, with methionine, which is neutral and non-polar, at codon 3837 of the FAT4 protein (p.Ile3837Met). This variant is present in population databases (no rsID available, gnomAD 0.0009%). This variant has not been reported in the literature in individuals affected with FAT4-related conditions. ClinVar contains an entry for this variant (Variation ID: 1984792). Invitae Evidence Modeling of protein sequence and biophysical properties (such as structural, functional, and spatial information, amino acid conservation, physicochemical variation, residue mobility, and thermodynamic stability) indicates that this missense variant is not expected to disrupt FAT4 protein function with a negative predictive value of 95%. In summary, the available evidence is currently insufficient to determine the role of this variant in disease. Therefore, it has been classified as a Variant of Uncertain Significance.